The following is an entry in ClinVar:

ClinVar aggregate classification (germline): Uncertain significance (1 of 4 stars; one submission).

Conditions:
Aicardi-Goutieres syndrome 7 (AGS7). Identifiers: Orphanet 51, MedGen C3888244, MONDO:0014367, OMIM 615846.
Singleton-Merten syndrome 1 (SGMRT1). Also called: Widened medullary cavities of bone, aortic calcification, abnormal dentition, and muscular weakness; Syndrome of widened medullary cavities of the metacarpals and phalanges, aortic calcification and abnormal dentition. Identifiers: Orphanet 85191, MedGen C4225427, MONDO:0024535, OMIM 182250.

gnomAD v4.1: 2 of 1,612,420 alleles (0.00012%); highest among the groups gnomAD compares: Non-Finnish European, 0.00017%; no homozygotes.

Submission:

Labcorp Genetics (formerly Invitae), Labcorp
Classification: Uncertain significance for Aicardi-Goutieres syndrome 7; Singleton-Merten syndrome 1. Last evaluated: 2024-07-19. Review status: criteria provided, single submitter. Criteria: Invitae Variant Classification Sherloc (09022015). Collection method: clinical testing. Allele origin: germline.
Comment: This sequence change replaces methionine, which is neutral and non-polar, with arginine, which is basic and polar, at codon 864 of the IFIH1 protein (p.Met864Arg). This variant is present in population databases (rs757999599, gnomAD 0.0009%). This variant has not been reported in the literature in individuals affected with IFIH1-related conditions. Advanced modeling of protein sequence and biophysical properties (such as structural, functional, and spatial information, amino acid conservation, physicochemical variation, residue mobility, and thermodynamic stability) has been performed at Invitae for this missense variant, however the output from this modeling did not meet the statistical confidence thresholds required to predict the impact of this variant on IFIH1 protein function. In summary, the available evidence is currently insufficient to determine the role of this variant in disease. Therefore, it has been classified as a Variant of Uncertain Significance.

NM_022168.4(IFIH1):c.2591T>G (p.Met864Arg)

Gene: IFIH1 (interferon induced with helicase C domain 1; minus strand). Cytogenetic location: 2q24.2.
Variant type: single nucleotide variant.
Coding change: c.2591T>G on transcript NM_022168.4 (MANE Select); coding-DNA position 2591, T replaced by G.
Protein change: p.Met864Arg; replaces methionine 864 with arginine.
Molecular consequence: missense variant.
Genome position (GRCh38, 1-based): chr2:162,272,251, A>C on the plus strand (T>G on the coding strand, the complement: IFIH1 is on the minus strand). VCF-style: chr2-162272251-A-C. GRCh37 (hg19) VCF-style: chr2-163128761-A-C.
Other names: short protein forms M864R.
Identifiers: ClinVar variation 3750430 (VCV003750430.2).
Genomic context (GRCh38, chr2:162,272,251, plus strand): 5'-AAATGAAAATCAAATTCAGAGGTGACCAACAATACCTTATGAGCATACTCCTCTGGTTTC[A>C]TATTTTGAACACAATGTATAGCTTTATACATCATCTTCTCTCGGAAATCATTAACTGTCT-3'
Protein context (NP_071451.2, residues 854-874): MYKAIHCVQN[Met864Arg]KPEEYAHKIL